The following is an entry in ClinVar:

ClinVar aggregate classification (germline): Uncertain significance. Review status: criteria provided, multiple submitters, no conflicts (2 of 4 stars). 2 submissions from 2 submitters: Uncertain significance (2). Last evaluated 2023-10-17.

gnomAD v4.1: 5 of 1,606,226 alleles (0.00031%); highest among the groups gnomAD compares: African/African-American, 0.0027%; no homozygotes.

Submissions (2):

Blueprint Genetics
Classification: Uncertain significance. Last evaluated: 2023-10-17. Review status: criteria provided, single submitter. Criteria: ACMG Guidelines, 2015. Collection method: clinical testing. Allele origin: germline.

Labcorp Genetics (formerly Invitae), Labcorp
Classification: Uncertain significance. Last evaluated: 2023-08-17. Review status: criteria provided, single submitter. Criteria: Invitae Variant Classification Sherloc (09022015). Collection method: clinical testing. Allele origin: germline.
Comment: ClinVar contains an entry for this variant (Variation ID: 1383116). In summary, the available evidence is currently insufficient to determine the role of this variant in disease. Therefore, it has been classified as a Variant of Uncertain Significance. An algorithm developed to predict the effect of missense changes on protein structure and function (PolyPhen-2) suggests that this variant is likely to be disruptive. This variant is present in population databases (rs373908901, gnomAD 0.002%). This sequence change replaces proline, which is neutral and non-polar, with threonine, which is neutral and polar, at codon 884 of the HYOU1 protein (p.Pro884Thr). This variant has not been reported in the literature in individuals affected with HYOU1-related conditions.

NM_006389.5(HYOU1):c.2650C>A (p.Pro884Thr)

Gene: HYOU1 (hypoxia up-regulated 1; minus strand). Cytogenetic location: 11q23.3.
Variant type: single nucleotide variant.
Coding change: c.2650C>A on transcript NM_006389.5 (MANE Select); coding-DNA position 2650, C replaced by A.
Protein change: p.Pro884Thr; replaces proline 884 with threonine.
Molecular consequence: missense variant.
Genome position (GRCh38, 1-based): chr11:119,046,748, G>T on the plus strand (C>A on the coding strand, the complement: HYOU1 is on the minus strand). VCF-style: chr11-119046748-G-T. GRCh37 (hg19) VCF-style: chr11-118917460-G-T.
Other names: c.2650C>A, p.Pro884Thr (NM_001130991.3); short protein forms P884T.
Identifiers: ClinVar variation 1383116 (VCV001383116.9), dbSNP rs373908901, ClinGen allele CA229617079.